The following is an entry in ClinVar:

NM_004958.4(MTOR):c.271+4A>G

Gene: MTOR (mechanistic target of rapamycin kinase; minus strand). Cytogenetic location: 1p36.22.
Variant type: single nucleotide variant.
Coding change: c.271+4A>G on transcript NM_004958.4 (MANE Select); 4 bases into the intron after coding-DNA position 271, A replaced by G.
Molecular consequence: intron variant.
Genome position (GRCh38, 1-based): chr1:11,258,481, T>C on the plus strand (A>G on the coding strand, the complement: MTOR is on the minus strand). VCF-style: chr1-11258481-T-C. GRCh37 (hg19) VCF-style: chr1-11318538-T-C.
Other names: c.-869+4A>G (NM_001386501.1); c.271+4A>G (NM_001386500.1).
Identifiers: ClinVar variation 2088373 (VCV002088373.4), dbSNP rs2523468863, ClinGen allele CA2580060524.
Genomic context (GRCh38, chr1:11,258,481, plus strand): 5'-ACACAGGGTGCAGTGGGCACAAAGGTGAGTGTGTTGTTTTTGTGACCAGAGACTCTGTCC[T>C]TACCTATGGCCAAGATGCCACCTTTCCTCTCATTGGCATCTGAGCTGGAAACCAATTCAA-3'

ClinVar aggregate classification (germline): Uncertain significance (1 of 4 stars; one submission).

Allele frequency attached by ClinVar (database versions not stated): gnomAD exomes below 0.00001; gnomAD 0.00001.
gnomAD v4.1: 3 of 1,607,680 alleles (0.00019%); highest among the groups gnomAD compares: Non-Finnish European, 0.00026%; no homozygotes.

Submission:

Labcorp Genetics (formerly Invitae), Labcorp
Classification: Uncertain significance. Last evaluated: 2024-07-11. Review status: criteria provided, single submitter. Criteria: Invitae Variant Classification Sherloc (09022015). Collection method: clinical testing. Allele origin: germline.
Comment: This sequence change falls in intron 3 of the MTOR gene. It does not directly change the encoded amino acid sequence of the MTOR protein. It affects a nucleotide within the consensus splice site. This variant is not present in population databases (gnomAD no frequency). This variant has not been reported in the literature in individuals affected with MTOR-related conditions. ClinVar contains an entry for this variant (Variation ID: 2088373). Variants that disrupt the consensus splice site are a relatively common cause of aberrant splicing (PMID: 17576681, 9536098). Algorithms developed to predict the effect of sequence changes on RNA splicing suggest that this variant is not likely to affect RNA splicing. In summary, the available evidence is currently insufficient to determine the role of this variant in disease. Therefore, it has been classified as a Variant of Uncertain Significance.

Literature cited by the submitters: PubMed 17576681; PubMed 9536098.